The following is an entry in ClinVar:

NM_000135.4(FANCA):c.427A>C (p.Lys143Gln)

Gene: FANCA (FA complementation group A; minus strand). Cytogenetic location: 16q24.3.
Variant type: single nucleotide variant.
Coding change: c.427A>C on transcript NM_000135.4 (MANE Select); coding-DNA position 427, A replaced by C.
Protein change: p.Lys143Gln; replaces lysine 143 with glutamine.
Molecular consequence: missense variant. On other transcripts: intron variant (1).
Genome position (GRCh38, 1-based): chr16:89,810,802, T>G on the plus strand (A>C on the coding strand, the complement: FANCA is on the minus strand). VCF-style: chr16-89810802-T-G. GRCh37 (hg19) VCF-style: chr16-89877210-T-G.
Other names: c.427A>C, p.Lys143Gln (NM_001018112.3, NM_001286167.3); c.426+127A>C (NM_001351830.2); short protein forms K143Q.
Identifiers: ClinVar variation 2787322 (VCV002787322.2), dbSNP rs539460201, ClinGen allele CA8253005.

ClinVar aggregate classification (germline): Uncertain significance. Review status: criteria provided, multiple submitters, no conflicts (2 of 4 stars). 2 submissions from 2 submitters: Uncertain significance (2). Last evaluated 2024-04-02.

Conditions:
Fanconi anemia (FA). Also called: Fanconi's anemia. Identifiers: Orphanet 84, MedGen C0015625, MeSH D005199, MONDO:0019391.

Allele frequency attached by ClinVar (database versions not stated): ExAC 0.00001; gnomAD 0.00001; TOPMed 0.00001; 1000 Genomes Project 30x 0.00016; 1000 Genomes Project 0.00020.
gnomAD v4.1: 2 of 1,612,936 alleles (0.00012%); highest among the groups gnomAD compares: African/African-American, 0.0027%; no homozygotes.

Submissions (2):

Women's Health and Genetics/Laboratory Corporation of America, LabCorp
Classification: Uncertain significance. Last evaluated: 2024-04-02. Review status: criteria provided, single submitter. Criteria: LabCorp Variant Classification Summary - May 2015. Collection method: clinical testing. Allele origin: germline.
Comment: Variant summary: FANCA c.427A>C (p.Lys143Gln) results in a conservative amino acid change in the encoded protein sequence. Three of five in-silico tools predict a benign effect of the variant on protein function. Consensus agreement among computation tools predict no significant impact on normal splicing. However, these predictions have yet to be confirmed by functional studies. The variant allele was found at a frequency of 4e-06 in 251474 control chromosomes (gnomAD). The available data on variant occurrences in the general population are insufficient to allow any conclusion about variant significance. To our knowledge, no occurrence of c.427A>C in individuals affected with Fanconi Anemia and no experimental evidence demonstrating its impact on protein function have been reported. ClinVar contains an entry for this variant (Variation ID: 2787322). Based on the evidence outlined above, the variant was classified as uncertain significance.

Labcorp Genetics (formerly Invitae), Labcorp
Classification: Uncertain significance for Fanconi anemia. Last evaluated: 2023-10-28. Review status: criteria provided, single submitter. Criteria: Invitae Variant Classification Sherloc (09022015). Collection method: clinical testing. Allele origin: germline.
Comment: This sequence change replaces lysine, which is basic and polar, with glutamine, which is neutral and polar, at codon 143 of the FANCA protein (p.Lys143Gln). This variant is present in population databases (rs539460201, gnomAD 0.008%). This variant has not been reported in the literature in individuals affected with FANCA-related conditions. An algorithm developed to predict the effect of missense changes on protein structure and function (PolyPhen-2) suggests that this variant¬†is likely to be tolerated. Algorithms developed to predict the effect of sequence changes on RNA splicing suggest that this variant may create or strengthen a splice site. In summary, the available evidence is currently insufficient to determine the role of this variant in disease. Therefore, it has been classified as a Variant of Uncertain Significance.